The following is an entry in ClinVar:

NM_005802.5(TOPORS):c.2846C>T (p.Thr949Ile)

Gene: TOPORS (TOP1 binding arginine/serine rich protein, E3 ubiquitin ligase; minus strand). Cytogenetic location: 9p21.1.
Variant type: single nucleotide variant.
Coding change: c.2846C>T on transcript NM_005802.5 (MANE Select); coding-DNA position 2846, C replaced by T.
Protein change: p.Thr949Ile; replaces threonine 949 with isoleucine.
Molecular consequence: missense variant.
Genome position (GRCh38, 1-based): chr9:32,541,679, G>A on the plus strand (C>T on the coding strand, the complement: TOPORS is on the minus strand). VCF-style: chr9-32541679-G-A. GRCh37 (hg19) VCF-style: chr9-32541677-G-A.
Other names: c.2651C>T, p.Thr884Ile (NM_001195622.2); short protein forms T884I, T949I.
Identifiers: ClinVar variation 1959666 (VCV001959666.5), dbSNP rs947357620, ClinGen allele CA373160438.

ClinVar aggregate classification (germline): Uncertain significance (1 of 4 stars; one submission).

gnomAD v4.1: 3 of 1,614,148 alleles (0.00019%); highest among the groups gnomAD compares: Middle Eastern, 0.049%; no homozygotes.

Submission:

Labcorp Genetics (formerly Invitae), Labcorp
Classification: Uncertain significance. Last evaluated: 2022-06-19. Review status: criteria provided, single submitter. Criteria: Invitae Variant Classification Sherloc (09022015). Collection method: clinical testing. Allele origin: germline.
Comment: This sequence change replaces threonine, which is neutral and polar, with isoleucine, which is neutral and non-polar, at codon 949 of the TOPORS protein (p.Thr949Ile). This variant is present in population databases (no rsID available, gnomAD 0.0009%). This variant has not been reported in the literature in individuals affected with TOPORS-related conditions. Algorithms developed to predict the effect of missense changes on protein structure and function are either unavailable or do not agree on the potential impact of this missense change (SIFT: "Deleterious"; PolyPhen-2: "Not Available"; Align-GVGD: "Class C0"). In summary, the available evidence is currently insufficient to determine the role of this variant in disease. Therefore, it has been classified as a Variant of Uncertain Significance.